The following is an entry in ClinVar:

NM_020944.3(GBA2):c.1688-8T>C

Gene: GBA2 (glucosylceramidase beta 2; minus strand). Cytogenetic location: 9p13.3.
Variant type: single nucleotide variant.
Coding change: c.1688-8T>C on transcript NM_020944.3 (MANE Select); 8 bases into the intron before coding-DNA position 1688, T replaced by C.
Molecular consequence: intron variant.
Genome position (GRCh38, 1-based): chr9:35,739,117, A>G on the plus strand (T>C on the coding strand, the complement: GBA2 is on the minus strand). VCF-style: chr9-35739117-A-G. GRCh37 (hg19) VCF-style: chr9-35739114-A-G.
Other names: c.1688-8T>C (NM_001330660.2).
Identifiers: ClinVar variation 444770 (VCV000444770.55), dbSNP rs754147042, ClinGen allele CA5050309.

ClinVar aggregate classification (germline): Conflicting classifications of pathogenicity. Review status: criteria provided, conflicting classifications (1 of 4 stars). 4 submissions from 4 submitters: Uncertain significance (1); Likely benign (3). Last evaluated 2026-01-13.

Conditions:
Spastic paraplegia. Identifiers: MedGen C0037772, HP:0001258.
Hereditary spastic paraplegia. Also called: Familial spastic paraparesis. Identifiers: Orphanet 685, MedGen C0037773, MONDO:0019064. Disease mechanism: loss of function.

Allele frequency attached by ClinVar (database versions not stated): gnomAD 0.00050 and 0.00047; gnomAD exomes 0.00054 and 0.00083; ExAC 0.00130; TOPMed 0.00033.
gnomAD v4.1: 776 of 1,466,116 alleles (0.053%); highest among the groups gnomAD compares: Middle Eastern, 0.088%; 1 homozygote.

Submissions (4):

Labcorp Genetics (formerly Invitae), Labcorp
Classification: Likely benign for Spastic paraplegia. Last evaluated: 2026-01-13. Review status: criteria provided, single submitter. Criteria: Invitae Variant Classification Sherloc (09022015). Collection method: clinical testing. Allele origin: germline.

CeGaT Center for Human Genetics Tuebingen
Classification: Likely benign. Last evaluated: 2025-12-01. Review status: criteria provided, single submitter. Criteria: CeGaT Center For Human Genetics Tuebingen Variant Classification Criteria Version 2. Collection method: clinical testing. Allele origin: germline. Affected: yes. Observed: 4 variant alleles.
Comment: GBA2: BP4

Blueprint Genetics
Classification: Likely benign. Last evaluated: 2024-11-05. Review status: criteria provided, single submitter. Criteria: ACMG Guidelines, 2015. Collection method: clinical testing. Allele origin: germline.

Genome Diagnostics Laboratory, The Hospital for Sick Children
Classification: Uncertain significance for Hereditary spastic paraplegia. Last evaluated: 2021-01-22. Review status: criteria provided, single submitter. Criteria: ACMG Guidelines, 2015. Collection method: clinical testing. Allele origin: germline. Affected: yes.